The following is an entry in ClinVar:

ClinVar aggregate classification (germline): Conflicting classifications of pathogenicity. Review status: criteria provided, conflicting classifications (1 of 4 stars). 3 submissions from 3 submitters: Uncertain significance (1); Likely benign (2). Last evaluated 2026-04-16.

Conditions:
Familial thoracic aortic aneurysm and aortic dissection (TAAD). Also called: Thoracic aortic aneurysms and dissections. Identifiers: Orphanet 91387, MedGen C4707243, MONDO:0019625.

gnomAD v4.1: 2 of 991,990 alleles (0.0002%); highest among the groups gnomAD compares: Non-Finnish European, 0.00024%; no homozygotes.

Submissions (3):

GeneDx
Classification: Uncertain significance. Last evaluated: 2026-04-16. Review status: criteria provided, single submitter. Criteria: GeneDx Variant Classification Process June 2021. Collection method: clinical testing. Allele origin: germline.
Comment: Not observed at significant frequency in large population cohorts (gnomAD); In silico analysis suggests that this variant does not alter splicing; Has not been previously published as pathogenic or benign to our knowledge

Ambry Genetics
Classification: Likely benign for Familial thoracic aortic aneurysm and aortic dissection. Last evaluated: 2025-04-19. Review status: criteria provided, single submitter. Criteria: Ambry Variant Classification Scheme 2023. Collection method: clinical testing. Allele origin: germline.

Labcorp Genetics (formerly Invitae), Labcorp
Classification: Likely benign for Familial thoracic aortic aneurysm and aortic dissection. Last evaluated: 2024-04-06. Review status: criteria provided, single submitter. Criteria: Invitae Variant Classification Sherloc (09022015). Collection method: clinical testing. Allele origin: germline.

NM_004612.4(TGFBR1):c.87G>A (p.Pro29=)

Gene: TGFBR1 (transforming growth factor beta receptor 1; plus strand). Cytogenetic location: 9q22.33.
Variant type: single nucleotide variant.
Coding change: c.87G>A on transcript NM_004612.4 (MANE Select); coding-DNA position 87, G replaced by A.
Protein change: p.Pro29=; no amino-acid change (proline 29 retained).
Molecular consequence: synonymous variant. On other transcripts: 5 prime UTR variant (5), non-coding transcript variant (4), intron variant (8).
Genome position (GRCh38, 1-based): chr9:99,105,292, G>A. VCF-style: chr9-99105292-G-A. GRCh37 (hg19) VCF-style: chr9-101867574-G-A.
Other names: c.87G>A, p.Pro29= (NM_001130916.3, NM_001306210.2, NM_001407416.1 and 5 more transcripts); c.-257G>A (NM_001407420.1, NM_001407429.1); c.-226G>A (NM_001407422.1, NM_001407426.1); c.-181G>A (NM_001407428.1); c.-111+1551G>A (NM_001407418.1, NM_001407423.1); c.-111+1186G>A (NM_001407424.1); c.-111+773G>A (NM_001407425.1); c.-111+566G>A (NM_001407434.1); and 3 more.
Identifiers: ClinVar variation 3706495 (VCV003706495.4).